The following is an entry in ClinVar:

ClinVar aggregate classification (germline): Likely benign (1 of 4 stars; one submission).

Allele frequency attached by ClinVar (database versions not stated): gnomAD exomes below 0.00001.

Submission:

GeneDx
Classification: Likely benign. Last evaluated: 2018-02-07. Review status: criteria provided, single submitter. Criteria: GeneDx Variant Classification (06012015). Collection method: clinical testing. Allele origin: germline. Affected: yes.
Comment: This variant is considered likely benign or benign based on one or more of the following criteria: it is a conservative change, it occurs at a poorly conserved position in the protein, it is predicted to be benign by multiple in silico algorithms, and/or has population frequency not consistent with disease.

NM_006493.4(CLN5):c.1062A>T (p.Thr354=)

Gene: CLN5 (CLN5 intracellular trafficking protein; plus strand). Cytogenetic location: 13q22.3.
Variant type: single nucleotide variant.
Coding change: c.1062A>T on transcript NM_006493.4 (MANE Select); coding-DNA position 1062, A replaced by T.
Protein change: p.Thr354=; no amino-acid change (threonine 354 retained).
Molecular consequence: synonymous variant. On other transcripts: 3 prime UTR variant (1).
Genome position (GRCh38, 1-based): chr13:77,000,954, A>T. VCF-style: chr13-77000954-A-T. GRCh37 (hg19) VCF-style: chr13-77575089-A-T.
Other names: c.1209A>T (LRG_692t1); c.*511A>T (NM_001366624.2).
Identifiers: ClinVar variation 515320 (VCV000515320.1), dbSNP rs1555274409, ClinGen allele CA484336239.
Genomic context (GRCh38, chr13:77,000,954, plus strand): 5'-GAAATTCCCTTTTATTAAAATAACATATGAAGAAATCCCTTTACCTATCAGAAACAAAAC[A>T]CTCTCTGGTTTATAAAACACCTTAATTCTACTGCTCTTTTTTCTCCAATCACCAGCATCT-3'
Protein context (NP_006484.2, residues 344-358): EEIPLPIRNK[Thr354=]LSGL